The following is an entry in ClinVar:

NM_032578.4(MYPN):c.3939T>G (p.Ser1313Arg)

Gene: MYPN (myopalladin; plus strand). Cytogenetic location: 10q21.3.
Variant type: single nucleotide variant.
Coding change: c.3939T>G on transcript NM_032578.4 (MANE Select); coding-DNA position 3939, T replaced by G.
Protein change: p.Ser1313Arg; replaces serine 1313 with arginine.
Molecular consequence: missense variant. On other transcripts: non-coding transcript variant (2).
Genome position (GRCh38, 1-based): chr10:68,210,431, T>G. VCF-style: chr10-68210431-T-G. GRCh37 (hg19) VCF-style: chr10-69970188-T-G.
Other names: c.3939T>G, p.Ser1313Arg (NM_001256267.2); c.3057T>G, p.Ser1019Arg (NM_001256268.2); short protein forms S1313R, S1019R.
Identifiers: ClinVar variation 2182849 (VCV002182849.4), dbSNP rs750175617, ClinGen allele CA5523192.
Genomic context (GRCh38, chr10:68,210,431, plus strand): 5'-CATATTTTCTGCCTTTTCCTCCATGGAAAGCACGATGGTGTATTCATGCTCTTCTCGGAG[T>G]GTAGTGGAGAGTGATGAACTTTAAGAATGTCTAGGTACCTGCTGTGTAAGAGAGCGGACT-3'
Protein context (NP_115967.2, residues 1303-1320): STMVYSCSSR[Ser1313Arg]VVESDEL

ClinVar aggregate classification (germline): Uncertain significance (1 of 4 stars; one submission).

Conditions:
Dilated cardiomyopathy 1KK (CMD1KK). Identifiers: Orphanet 154, Orphanet 75249, MedGen C3714995, MONDO:0014100, OMIM 615248.

Allele frequency attached by ClinVar (database versions not stated): TOPMed below 0.00001; ExAC 0.00001.
gnomAD v4.1: 5 of 1,613,870 alleles (0.00031%); highest among the groups gnomAD compares: African/African-American, 0.0013%; no homozygotes.

Submission:

Labcorp Genetics (formerly Invitae), Labcorp
Classification: Uncertain significance for Dilated cardiomyopathy 1KK. Last evaluated: 2025-06-20. Review status: criteria provided, single submitter. Criteria: Invitae Variant Classification Sherloc (09022015). Collection method: clinical testing. Allele origin: germline.
Comment: This sequence change replaces serine, which is neutral and polar, with arginine, which is basic and polar, at codon 1313 of the MYPN protein (p.Ser1313Arg). This variant is present in population databases (rs750175617, gnomAD 0.007%). This variant has not been reported in the literature in individuals affected with MYPN-related conditions. ClinVar contains an entry for this variant (Variation ID: 2182849). An algorithm developed to predict the effect of missense changes on protein structure and function (PolyPhen-2) suggests that this variant is likely to be tolerated. In summary, the available evidence is currently insufficient to determine the role of this variant in disease. Therefore, it has been classified as a Variant of Uncertain Significance.